The following is an entry in ClinVar:

NM_003640.5(ELP1):c.824A>G (p.His275Arg)

Gene: ELP1 (elongator acetyltransferase complex subunit 1; minus strand). Cytogenetic location: 9q31.3.
Variant type: single nucleotide variant.
Coding change: c.824A>G on transcript NM_003640.5 (MANE Select); coding-DNA position 824, A replaced by G.
Protein change: p.His275Arg; replaces histidine 275 with arginine.
Molecular consequence: missense variant. On other transcripts: 5 prime UTR variant (1).
Genome position (GRCh38, 1-based): chr9:108,917,587, T>C on the plus strand (A>G on the coding strand, the complement: ELP1 is on the minus strand). VCF-style: chr9-108917587-T-C. GRCh37 (hg19) VCF-style: chr9-111679867-T-C.
Other names: c.482A>G, p.His161Arg (NM_001318360.2); c.-224A>G (NM_001330749.2); short protein forms H161R, H275R.
Identifiers: ClinVar variation 990665 (VCV000990665.3), dbSNP rs1564100993, ClinGen allele CA374386219.

ClinVar aggregate classification (germline): Uncertain significance. Review status: criteria provided, single submitter (1 of 4 stars). 2 submissions from 2 submitters: Uncertain significance (1). 1 of the submissions does not count toward it. Last evaluated 2024-03-25.

Conditions:
Familial dysautonomia. Also called: FD; HSAN III. Identifiers: Orphanet 1764, MedGen C0013364, MONDO:0009131, OMIM 223900. Disease mechanism: loss of function.

Allele frequency attached by ClinVar (database versions not stated): gnomAD 0.00001.
gnomAD v4.1: 1 of 1,613,994 alleles (0.000062%); highest among the groups gnomAD compares: East Asian, 0.0022%; no homozygotes.

Submissions (2):

Women's Health and Genetics/Laboratory Corporation of America, LabCorp
Classification: Uncertain significance. Last evaluated: 2024-03-25. Review status: criteria provided, single submitter. Criteria: LabCorp Variant Classification Summary - May 2015. Collection method: clinical testing. Allele origin: germline.
Comment: Variant summary: ELP1 c.824A>G (p.His275Arg) results in a non-conservative amino acid change in the encoded protein sequence. Three of five in-silico tools predict a damaging effect of the variant on protein function. The variant was absent in 251478 control chromosomes (gnomAD). The available data on variant occurrences in the general population are insufficient to allow any conclusion about variant significance. To our knowledge, no occurrence of c.824A>G in individuals affected with Familial Dysautonomia and no experimental evidence demonstrating its impact on protein function have been reported. ClinVar contains an entry for this variant (Variation ID: 990665). Based on the evidence outlined above, the variant was classified as uncertain significance.

Natera, Inc.
Classification: Uncertain significance for Familial dysautonomia. Last evaluated: 2020-08-20. Review status: no assertion criteria provided. Collection method: clinical testing. Allele origin: germline. Not counted in ClinVar's aggregate classification.